The following is an entry in ClinVar:

NM_001267550.2(TTN):c.77404_77405insA (p.Pro25802fs)

Genes: TTN-AS1 (TTN antisense RNA 1; plus strand), TTN (titin; minus strand). Cytogenetic location: 2q31.2.
Variant type: Insertion.
Coding change: c.77404_77405insA on transcript NM_001267550.2 (MANE Select); coding-DNA positions 77404 to 77405, A inserted.
Protein change: p.Pro25802fs; shifts the reading frame from proline 25802.
Molecular consequence: frameshift variant.
Genome position: GRCh38 VCF-style: chr2-178568727-G-GT. GRCh37 (hg19) VCF-style: chr2-179433454-G-GT.
Other names: c.72481_72482insA, p.Pro24161fs (NM_001256850.1); c.50209_50210insA, p.Pro16737fs (NM_003319.4); c.69700_69701insA, p.Pro23234fs (NM_133378.4); c.50584_50585insA, p.Pro16862fs (NM_133432.3); c.50785_50786insA, p.Pro16929fs (NM_133437.4); short protein forms P25802fs, P16737fs, P23234fs, P16862fs, P16929fs, P24161fs.
Identifiers: ClinVar variation 2942428 (VCV002942428.3), dbSNP rs2468375686, ClinGen allele CA2740096338.

ClinVar aggregate classification (germline): Pathogenic (1 of 4 stars; one submission).

Conditions:
Dilated cardiomyopathy 1G (CMD1G). Identifiers: Orphanet 154, MedGen C1858763, MONDO:0011400, OMIM 604145.
Autosomal recessive limb-girdle muscular dystrophy type 2J (LGMDR10). Also called: MUSCULAR DYSTROPHY, LIMB-GIRDLE, AUTOSOMAL RECESSIVE 10; Limb-girdle muscular dystrophy, type 2J. Identifiers: Orphanet 140922, MedGen C1837342, MONDO:0012127, OMIM 608807.

Submission:

Labcorp Genetics (formerly Invitae), Labcorp
Classification: Pathogenic for Dilated cardiomyopathy 1G; Autosomal recessive limb-girdle muscular dystrophy type 2J. Last evaluated: 2024-09-05. Review status: criteria provided, single submitter. Criteria: Invitae Variant Classification Sherloc (09022015). Collection method: clinical testing. Allele origin: germline.
Comment: This sequence change creates a premature translational stop signal (p.Pro25802Hisfs*5) in the TTN gene. While this is not anticipated to result in nonsense mediated decay, it is expected to create a truncated TTN protein. This variant is not present in population databases (gnomAD no frequency). This premature translational stop signal has been observed in individual(s) with dilated cardiomyopathy (internal data). In at least one individual the variant was observed to be de novo. This variant is located in the A band of TTN (PMID: 25589632). Truncating variants in this region are significantly overrepresented in patients affected with dilated cardiomyopathy (PMID: 25589632). Truncating variants in this region have also been reported in individuals affected with autosomal recessive centronuclear myopathy (PMID: 23975875). For these reasons, this variant has been classified as Pathogenic.

Literature cited by the submitters: PubMed 25589632; PubMed 23975875.